The following is an entry in ClinVar:

NM_001805.4(CEBPE):c.328C>A (p.Pro110Thr)

Gene: CEBPE (CCAAT enhancer binding protein epsilon; minus strand). Cytogenetic location: 14q11.2.
Variant type: single nucleotide variant.
Coding change: c.328C>A on transcript NM_001805.4 (MANE Select); coding-DNA position 328, C replaced by A.
Protein change: p.Pro110Thr; replaces proline 110 with threonine.
Molecular consequence: missense variant.
Genome position (GRCh38, 1-based): chr14:23,118,764, G>T on the plus strand (C>A on the coding strand, the complement: CEBPE is on the minus strand). VCF-style: chr14-23118764-G-T. GRCh37 (hg19) VCF-style: chr14-23587973-G-T.
Other names: short protein forms P110T.
Identifiers: ClinVar variation 4729575 (VCV004729575.1).
Genomic context (GRCh38, chr14:23,118,764, plus strand): 5'-TGCCCTCTGGCCCCCGGGGCTCCTCCTTCACCGCCACAGCCCTGGGGTCGTAGCTCCCTG[G>T]GCTGCTGTAGATGCCAGGCCCCAGCGCCTTCCTGTCTGGGCCGAAGGTATGTGGAGGGTA-3'
Protein context (NP_001796.2, residues 100-120): KALGPGIYSS[Pro110Thr]GSYDPRAVAV

ClinVar aggregate classification (germline): Uncertain significance (1 of 4 stars; one submission).

Conditions:
Specific granule deficiency. Identifiers: Orphanet 169142, MedGen C0398593, MONDO:0009506.

Submission:

Labcorp Genetics (formerly Invitae), Labcorp
Classification: Uncertain significance for Specific granule deficiency. Last evaluated: 2025-10-21. Review status: criteria provided, single submitter. Criteria: Invitae Variant Classification Sherloc (09022015). Collection method: clinical testing. Allele origin: germline.
Comment: This sequence change replaces proline, which is neutral and non-polar, with threonine, which is neutral and polar, at codon 110 of the CEBPE protein (p.Pro110Thr). This variant is not present in population databases (gnomAD no frequency). This variant has not been reported in the literature in individuals affected with CEBPE-related conditions. An algorithm developed to predict the effect of missense changes on protein structure and function (PolyPhen-2) suggests that this variant is likely to be tolerated. In summary, the available evidence is currently insufficient to determine the role of this variant in disease. Therefore, it has been classified as a Variant of Uncertain Significance.